The following is an entry in ClinVar:

NM_001146079.2(CLDN14):c.401T>C (p.Val134Ala)

Genes: CLDN14 (claudin 14; minus strand), CLDN14-AS1 (CLDN14 antisense RNA 1; plus strand). Cytogenetic location: 21q22.13.
Variant type: single nucleotide variant.
Coding change: c.401T>C on transcript NM_001146079.2 (MANE Select); coding-DNA position 401, T replaced by C.
Protein change: p.Val134Ala; replaces valine 134 with alanine.
Molecular consequence: missense variant.
Genome position (GRCh38, 1-based): chr21:36,461,295, A>G on the plus strand (T>C on the coding strand, the complement: CLDN14 is on the minus strand). VCF-style: chr21-36461295-A-G. GRCh37 (hg19) VCF-style: chr21-37833593-A-G.
Other names: c.401T>C, p.Val134Ala (NM_001146077.2, NM_001146078.3, NM_012130.4 and 1 more transcripts); short protein forms V134A.
Identifiers: ClinVar variation 5010087 (VCV005010087.1).

ClinVar aggregate classification (germline): Uncertain significance (1 of 4 stars; one submission).

gnomAD v4.1: 4 of 1,613,738 alleles (0.00025%); highest among the groups gnomAD compares: Admixed American, 0.0067%; no homozygotes.

Submission:

GeneDx
Classification: Uncertain significance. Last evaluated: 2026-02-28. Review status: criteria provided, single submitter. Criteria: GeneDx Variant Classification Process June 2021. Collection method: clinical testing. Allele origin: germline.
Comment: In silico analysis supports that this missense variant has a deleterious effect on protein structure/function; Has not been previously published as pathogenic or benign to our knowledge